The following is an entry in ClinVar:

ClinVar aggregate classification (germline): Uncertain significance (1 of 4 stars; one submission).

Conditions:
Hereditary cancer-predisposing syndrome. Also called: Neoplastic Syndromes, Hereditary; Tumor predisposition; Hereditary Cancer Syndrome; Hereditary neoplastic syndrome. Identifiers: Orphanet 140162, MedGen C0027672, MeSH D009386, MONDO:0015356.

Submission:

Ambry Genetics
Classification: Uncertain significance for Hereditary cancer-predisposing syndrome. Last evaluated: 2021-09-15. Review status: criteria provided, single submitter. Criteria: Ambry Variant Classification Scheme 2023. Collection method: clinical testing. Allele origin: germline.
Comment: The p.E737G variant (also known as c.2210A>G), located in coding exon 14 of the PTCH1 gene, results from an A to G substitution at nucleotide position 2210. The glutamic acid at codon 737 is replaced by glycine, an amino acid with similar properties. This amino acid position is highly conserved in available vertebrate species. In addition, this alteration is predicted to be deleterious by in silico analysis. Since supporting evidence is limited at this time, the clinical significance of this alteration remains unclear.

NM_000264.5(PTCH1):c.2210A>G (p.Glu737Gly)

Genes: PTCH1 (patched 1; minus strand), LOC100507346 (uncharacterized LOC100507346; plus strand). Cytogenetic location: 9q22.32.
Variant type: single nucleotide variant.
Coding change: c.2210A>G on transcript NM_000264.5 (MANE Select); coding-DNA position 2210, A replaced by G.
Protein change: p.Glu737Gly; replaces glutamic acid 737 with glycine.
Molecular consequence: missense variant. On other transcripts: non-coding transcript variant (2).
Genome position (GRCh38, 1-based): chr9:95,468,791, T>C on the plus strand (A>G on the coding strand, the complement: PTCH1 is on the minus strand). VCF-style: chr9-95468791-T-C. GRCh37 (hg19) VCF-style: chr9-98231073-T-C.
Other names: c.2012A>G, p.Glu671Gly (NM_001083602.3); c.2207A>G, p.Glu736Gly (NM_001083603.3); c.1757A>G, p.Glu586Gly (NM_001083604.3, NM_001083605.3, NM_001083606.3 and 1 more transcripts); c.2054A>G, p.Glu685Gly (NM_001354918.2); short protein forms E671G, E736G, E737G, E685G, E586G.
Identifiers: ClinVar variation 1787760 (VCV001787760.2), dbSNP rs2118026522, ClinGen allele CA374115315.